The following is an entry in ClinVar:

NM_005173.4(ATP2A3):c.2229C>T (p.Ile743=)

Gene: ATP2A3 (ATPase sarcoplasmic/endoplasmic reticulum Ca2+ transporting 3; minus strand). Cytogenetic location: 17p13.2.
Variant type: single nucleotide variant.
Coding change: c.2229C>T on transcript NM_005173.4 (MANE Select); coding-DNA position 2229, C replaced by T.
Protein change: p.Ile743=; no amino-acid change (isoleucine 743 retained).
Molecular consequence: synonymous variant.
Genome position (GRCh38, 1-based): chr17:3,937,508, G>A on the plus strand (C>T on the coding strand, the complement: ATP2A3 is on the minus strand). VCF-style: chr17-3937508-G-A. GRCh37 (hg19) VCF-style: chr17-3840802-G-A.
Other names: c.2229C>T, p.Ile743= (NM_174953.3, NM_174954.3, NM_174955.3 and 3 more transcripts); c.2229C>T (NM_174953.2).
Identifiers: ClinVar variation 2647243 (VCV002647243.25), dbSNP rs762087979, ClinGen allele CA8296938.
Genomic context (GRCh38, chr17:3,937,508, plus strand): 5'-GTAGCGGATGAATTGCTTCATGTTGCTGTAGATGGCCCGGCCCTCCTCCACCGCAGCCAC[G>A]ATGGAGGCAAAGTTGTCATCTGACAGCACCATCTCTGCCGCCGACTTGGCCACGGCCGTG-3'
Protein context (NP_005164.2, residues 733-753): MVLSDDNFAS[Ile743=]VAAVEEGRAI

ClinVar aggregate classification (germline): Likely benign. Review status: criteria provided, single submitter (1 of 4 stars). 2 submissions from 2 submitters: Likely benign (1). 1 of the submissions does not count toward it. Last evaluated 2022-10-01.

Conditions:
ATP2A3-related disorder. Also called: ATP2A3-related condition.

Allele frequency attached by ClinVar (database versions not stated): ExAC 0.00002; gnomAD 0.00005; gnomAD exomes 0.00006; TOPMed 0.00006.
gnomAD v4.1: 91 of 1,614,002 alleles (0.0056%); highest among the groups gnomAD compares: Middle Eastern, 0.71%; 2 homozygotes.

Submissions (2):

CeGaT Center for Human Genetics Tuebingen
Classification: Likely benign. Last evaluated: 2022-10-01. Review status: criteria provided, single submitter. Criteria: CeGaT Center For Human Genetics Tuebingen Variant Classification Criteria Version 2. Collection method: clinical testing. Allele origin: germline. Affected: yes. Observed: 1 variant allele.
Comment: ATP2A3: BP4, BP7

PreventionGenetics, part of Exact Sciences
Classification: Likely benign for ATP2A3-related condition. Last evaluated: 2019-04-25. Review status: no assertion criteria provided. Collection method: clinical testing. Allele origin: germline. Not counted in ClinVar's aggregate classification.
Comment: This variant is classified as likely benign based on ACMG/AMP sequence variant interpretation guidelines (Richards et al. 2015 PMID: 25741868, with internal and published modifications).